The following is an entry in ClinVar:

NM_000260.4(MYO7A):c.4388G>A (p.Arg1463His)

Gene: MYO7A (myosin VIIA; plus strand). Cytogenetic location: 11q13.5.
Variant type: single nucleotide variant.
Coding change: c.4388G>A on transcript NM_000260.4 (MANE Select); coding-DNA position 4388, G replaced by A.
Protein change: p.Arg1463His; replaces arginine 1463 with histidine.
Molecular consequence: missense variant.
Genome position (GRCh38, 1-based): chr11:77,197,545, G>A. VCF-style: chr11-77197545-G-A. GRCh37 (hg19) VCF-style: chr11-76908590-G-A.
Other names: c.4388G>A, p.Arg1463His (NM_001127180.2); c.4355G>A, p.Arg1452His (NM_001369365.1); short protein forms R1452H, R1463H.
Identifiers: ClinVar variation 1327730 (VCV001327730.7), dbSNP rs558085909, ClinGen allele CA6198435.

ClinVar aggregate classification (germline): Uncertain significance. Review status: criteria provided, multiple submitters, no conflicts (2 of 4 stars). 3 submissions from 3 submitters: Uncertain significance (3). Last evaluated 2024-12-18.

Conditions:
MYO7A-related disorder. Also called: MYO7A-related disorders.

Allele frequency attached by ClinVar (database versions not stated): gnomAD exomes 0.00001 and 0.00002; gnomAD 0.00002 and 0.00003; TOPMed 0.00002; ExAC 0.00007; 1000 Genomes Project 30x 0.00016; 1000 Genomes Project 0.00020.
gnomAD v4.1: 23 of 1,607,462 alleles (0.0014%); highest among the groups gnomAD compares: African/African-American, 0.0067%; no homozygotes.

Submissions (3):

PreventionGenetics, part of Exact Sciences
Classification: Uncertain significance for MYO7A-related condition. Last evaluated: 2024-12-18. Review status: criteria provided, single submitter. Criteria: ACMG Guidelines, 2015. Collection method: clinical testing. Allele origin: germline.
Comment: The MYO7A c.4388G>A variant is predicted to result in the amino acid substitution p.Arg1463His. This variant was reported in an individual with hearing loss although a second potentially causative variant was not identified (Kabahuma et al. 2021. PubMed ID: 33671976). This variant is reported in 0.0035% of alleles in individuals of South Asian descent in gnomAD. At this time, the clinical significance of this variant is uncertain due to the absence of conclusive functional and genetic evidence.

Labcorp Genetics (formerly Invitae), Labcorp
Classification: Uncertain significance. Last evaluated: 2024-10-16. Review status: criteria provided, single submitter. Criteria: Invitae Variant Classification Sherloc (09022015). Collection method: clinical testing. Allele origin: germline.
Comment: This sequence change replaces arginine, which is basic and polar, with histidine, which is basic and polar, at codon 1463 of the MYO7A protein (p.Arg1463His). The frequency data for this variant in the population databases is considered unreliable, as metrics indicate poor data quality at this position in the gnomAD database. This missense change has been observed in individual(s) with deafness (PMID: 33671976). ClinVar contains an entry for this variant (Variation ID: 1327730). Invitae Evidence Modeling of protein sequence and biophysical properties (such as structural, functional, and spatial information, amino acid conservation, physicochemical variation, residue mobility, and thermodynamic stability) has been performed for this missense variant. However, the output from this modeling did not meet the statistical confidence thresholds required to predict the impact of this variant on MYO7A protein function. In summary, the available evidence is currently insufficient to determine the role of this variant in disease. Therefore, it has been classified as a Variant of Uncertain Significance.

GeneDx
Classification: Uncertain significance. Last evaluated: 2021-06-07. Review status: criteria provided, single submitter. Criteria: GeneDx Variant Classification Process June 2021. Collection method: clinical testing. Allele origin: germline. Affected: yes.
Comment: In silico analysis supports that this missense variant has a deleterious effect on protein structure/function; Has not been previously published as pathogenic or benign to our knowledge; This variant is associated with the following publications: (PMID: 27535533, 33671976)

Literature cited by the submitters: PubMed 33671976 (cited by Labcorp Genetics (formerly Invitae), Labcorp).